The following is an entry in ClinVar:

NM_001304359.2(MUC5AC):c.13539C>A (p.Pro4513=)

Gene: MUC5AC (mucin 5AC, oligomeric mucus/gel-forming; plus strand). Cytogenetic location: 11p15.5.
Variant type: single nucleotide variant.
Coding change: c.13539C>A on transcript NM_001304359.2 (MANE Select); coding-DNA position 13539, C replaced by A.
Protein change: p.Pro4513=; no amino-acid change (proline 4513 retained).
Molecular consequence: synonymous variant.
Genome position (GRCh38, 1-based): chr11:1,191,684, C>A. VCF-style: chr11-1191684-C-A. GRCh37 (hg19) VCF-style: chr11-1212909-C-A.
Identifiers: ClinVar variation 2641164 (VCV002641164.24), dbSNP rs75313475, ClinGen allele CA472445607.

ClinVar aggregate classification (germline): Likely benign (1 of 4 stars; one submission).

Submission:

CeGaT Center for Human Genetics Tuebingen
Classification: Likely benign. Last evaluated: 2023-08-01. Review status: criteria provided, single submitter. Criteria: CeGaT Center For Human Genetics Tuebingen Variant Classification Criteria Version 2. Collection method: clinical testing. Allele origin: germline. Affected: yes. Observed: 1 variant allele.
Comment: MUC5AC: BP4, BP7